The following is an entry in ClinVar:

NM_020654.5(SENP7):c.1475A>G (p.Gln492Arg)

Gene: SENP7 (SUMO specific peptidase 7; minus strand). Cytogenetic location: 3q12.3.
Variant type: single nucleotide variant.
Coding change: c.1475A>G on transcript NM_020654.5 (MANE Select); coding-DNA position 1475, A replaced by G.
Protein change: p.Gln492Arg; replaces glutamine 492 with arginine.
Molecular consequence: missense variant.
Genome position (GRCh38, 1-based): chr3:101,364,835, T>C on the plus strand (A>G on the coding strand, the complement: SENP7 is on the minus strand). VCF-style: chr3-101364835-T-C. GRCh37 (hg19) VCF-style: chr3-101083679-T-C.
Other names: c.1280A>G, p.Gln427Arg (NM_001077203.3); c.1277A>G, p.Gln426Arg (NM_001282801.2); c.1376A>G, p.Gln459Arg (NM_001282802.2); c.983A>G, p.Gln328Arg (NM_001282803.2); short protein forms Q427R, Q426R, Q459R, Q328R, Q492R.
Identifiers: ClinVar variation 2569244 (VCV002569244.3), dbSNP rs146247094, ClinGen allele CA2520013.

ClinVar aggregate classification (germline): Uncertain significance (1 of 4 stars; one submission).

Allele frequency attached by ClinVar (database versions not stated): 1000 Genomes Project 30x 0.00031; ExAC 0.00005; gnomAD exomes 0.00001; TOPMed 0.00015; ESP Exome Variant Server 0.00023; 1000 Genomes Project 0.00040.
gnomAD v4.1: 39 of 1,575,202 alleles (0.0025%); highest among the groups gnomAD compares: African/African-American, 0.048%; no homozygotes.

Submission:

Ambry Genetics
Classification: Uncertain significance. Last evaluated: 2026-07-28. Review status: criteria provided, single submitter. Criteria: Ambry Variant Classification Scheme 2023. Collection method: clinical testing. Allele origin: germline.
Comment: The c.1475A>G (p.Q492R) alteration is located in exon 10 (coding exon 10) of the SENP7 gene. This alteration results from a A to G substitution at nucleotide position 1475, causing the glutamine (Q) at amino acid position 492 to be replaced by an arginine (R). Based on data from gnomAD, the G allele has an overall frequency of 0.007% (17/261126) total alleles studied. The highest observed frequency was 0.064% (15/23572) of African alleles. Based on insufficient or conflicting evidence, the clinical significance of this alteration remains unclear.